The following is an entry in ClinVar:

NM_001378457.1(DMXL2):c.5868_5870del (p.Ser1958del)

Gene: DMXL2 (Dmx like 2; minus strand). Cytogenetic location: 15q21.2.
Variant type: Deletion.
Coding change: c.5868_5870del on transcript NM_001378457.1 (MANE Select); coding-DNA positions 5868 to 5870, 3 bases deleted (TTC; older notation c.5868_5870delTTC).
Protein change: p.Ser1958del; deletes serine 1958.
Molecular consequence: inframe deletion. On other transcripts: non-coding transcript variant (2).
Genome position (GRCh38, 1-based): chr15:51,481,236-51,481,238, GAA deleted on the plus strand (TTC on the coding strand, the reverse complement: DMXL2 is on the minus strand); deleting any 3 consecutive bases within chr15:51,481,236-51,481,239 gives the same sequence; the c. name uses the placement nearest the transcript's 3' end. VCF-style (leftmost placement, unchanged base first): chr15-51481235-TGAA-T. GRCh37 (hg19) VCF-style: chr15-51773432-TGAA-T.
Other names: c.5868_5870del, p.Ser1958del (NM_001174116.3, NM_001378458.1, NM_001378459.1 and 4 more transcripts); c.3960_3962del, p.Ser1322del (NM_001174117.3); c.3849_3851del, p.Ser1285del (NM_001378460.1); c.5628_5630del, p.Ser1878del (NM_001378464.1); short protein forms S1958del, S1285del, S1322del, S1878del.
Identifiers: ClinVar variation 2105272 (VCV002105272.4), dbSNP rs2548448368, ClinGen allele CA2580089754.
Genomic context (GRCh38, chr15:51,481,235, plus strand): 5'-ATCAAGATTAAGAGGTTCCTCATCAACTTTTACTATTGGCTGACTCCAGTCATACTGTGA[TGAA>T]GTTACATTTGACCATTCAATGCCAGAACTTCCATTGCCATCACTCAGAGCTTTTGAATGT-3'

ClinVar aggregate classification (germline): Uncertain significance (1 of 4 stars; one submission).

Submission:

Labcorp Genetics (formerly Invitae), Labcorp
Classification: Uncertain significance. Last evaluated: 2022-05-31. Review status: criteria provided, single submitter. Criteria: Invitae Variant Classification Sherloc (09022015). Collection method: clinical testing. Allele origin: germline.
Comment: This variant, c.5868_5870del, results in the deletion of 1 amino acid(s) of the DMXL2 protein (p.Ser1958del), but otherwise preserves the integrity of the reading frame. This variant is not present in population databases (gnomAD no frequency). This variant has not been reported in the literature in individuals affected with DMXL2-related conditions. Experimental studies and prediction algorithms are not available or were not evaluated, and the functional significance of this variant is currently unknown. In summary, the available evidence is currently insufficient to determine the role of this variant in disease. Therefore, it has been classified as a Variant of Uncertain Significance.